The following is an entry in ClinVar:

ClinVar aggregate classification (germline): Uncertain significance. Review status: criteria provided, multiple submitters, no conflicts (2 of 4 stars). 2 submissions from 2 submitters: Uncertain significance (2). Last evaluated 2023-09-25.

Conditions:
Inborn genetic diseases. Identifiers: MedGen C0950123, MeSH D030342.
Agammaglobulinemia 4, autosomal recessive (AGM4). Also called: B cell linker protein deficiency; AGAMMAGLOBULINEMIA, AUTOSOMAL RECESSIVE, DUE TO BLNK DEFECT. Identifiers: MedGen C3150752, MONDO:0013289, OMIM 613502.

Allele frequency attached by ClinVar (database versions not stated): gnomAD 0.00002 and 0.00007; TOPMed 0.00004; ExAC 0.00009; gnomAD exomes 0.00009; 1000 Genomes Project 30x 0.00016; 1000 Genomes Project 0.00020.
gnomAD v4.1: 197 of 1,613,922 alleles (0.012%); highest among the groups gnomAD compares: East Asian, 0.39%; no homozygotes.

Submissions (2):

Ambry Genetics
Classification: Uncertain significance for Inborn genetic diseases. Last evaluated: 2023-09-25. Review status: criteria provided, single submitter. Criteria: Ambry Variant Classification Scheme 2023. Collection method: clinical testing. Allele origin: germline.

Labcorp Genetics (formerly Invitae), Labcorp
Classification: Uncertain significance for Agammaglobulinemia 4, autosomal recessive. Last evaluated: 2022-06-18. Review status: criteria provided, single submitter. Criteria: Invitae Variant Classification Sherloc (09022015). Collection method: clinical testing. Allele origin: germline.
Comment: This sequence change replaces valine, which is neutral and non-polar, with methionine, which is neutral and non-polar, at codon 182 of the BLNK protein (p.Val182Met). This variant is present in population databases (rs141021727, gnomAD 0.1%). This variant has not been reported in the literature in individuals affected with BLNK-related conditions. ClinVar contains an entry for this variant (Variation ID: 947837). Algorithms developed to predict the effect of missense changes on protein structure and function are either unavailable or do not agree on the potential impact of this missense change (SIFT: "Deleterious"; PolyPhen-2: "Possibly Damaging"; Align-GVGD: "Class C0"). In summary, the available evidence is currently insufficient to determine the role of this variant in disease. Therefore, it has been classified as a Variant of Uncertain Significance.

NM_013314.4(BLNK):c.544G>A (p.Val182Met)

Gene: BLNK (B cell linker; minus strand). Cytogenetic location: 10q24.1.
Variant type: single nucleotide variant.
Coding change: c.544G>A on transcript NM_013314.4 (MANE Select); coding-DNA position 544, G replaced by A.
Protein change: p.Val182Met; replaces valine 182 with methionine.
Molecular consequence: missense variant. On other transcripts: non-coding transcript variant (4), intron variant (1).
Genome position (GRCh38, 1-based): chr10:96,216,716, C>T on the plus strand (G>A on the coding strand, the complement: BLNK is on the minus strand). VCF-style: chr10-96216716-C-T. GRCh37 (hg19) VCF-style: chr10-97976472-C-T.
Other names: c.544G>A, p.Val182Met (NM_001114094.2, NM_001258440.2, NM_001258441.2); c.350-1384G>A (NM_001258442.2); short protein forms V182M.
Identifiers: ClinVar variation 947837 (VCV000947837.7), dbSNP rs141021727, ClinGen allele CA5623420.
Genomic context (GRCh38, chr10:96,216,716, plus strand): 5'-TTTCAGGTGGAGGTGAACTGCTTTCTGTGGGATGAATATAGTTTTCATCATTATCTTCCA[C>T]GGGGACCACATAATCAGCCTAACAGAAATACAAAACTGAATGAGAAGAATGCTGTACATT-3'
Protein context (NP_037446.1, residues 172-192): LEDEADYVVP[Val182Met]EDNDENYIHP